The following is an entry in ClinVar:

ClinVar aggregate classification (germline): Uncertain significance (1 of 4 stars; one submission).

Submission:

GeneDx
Classification: Uncertain significance. Last evaluated: 2024-01-05. Review status: criteria provided, single submitter. Criteria: GeneDx Variant Classification Process June 2021. Collection method: clinical testing. Allele origin: germline. Affected: yes.
Comment: Not observed at significant frequency in large population cohorts (gnomAD); In silico analysis supports that this missense variant has a deleterious effect on protein structure/function; Has not been previously published as pathogenic or benign to our knowledge

NM_152703.5(SAMD9L):c.4031T>G (p.Leu1344Trp)

Gene: SAMD9L (sterile alpha motif domain containing 9 like; minus strand). Cytogenetic location: 7q21.2.
Variant type: single nucleotide variant.
Coding change: c.4031T>G on transcript NM_152703.5 (MANE Select); coding-DNA position 4031, T replaced by G.
Protein change: p.Leu1344Trp; replaces leucine 1344 with tryptophan.
Molecular consequence: missense variant.
Genome position (GRCh38, 1-based): chr7:93,131,941, A>C on the plus strand (T>G on the coding strand, the complement: SAMD9L is on the minus strand). VCF-style: chr7-93131941-A-C. GRCh37 (hg19) VCF-style: chr7-92761254-A-C.
Other names: c.4031T>G, p.Leu1344Trp (NM_001303496.3, NM_001303497.3, NM_001303498.3 and 5 more transcripts); short protein forms L1344W.
Identifiers: ClinVar variation 3367495 (VCV003367495.1).